The following is an entry in ClinVar:

ClinVar aggregate classification (germline): Likely benign. Review status: criteria provided, multiple submitters, no conflicts (2 of 4 stars). 4 submissions from 4 submitters: Likely benign (3). 1 of the submissions does not count toward it. Last evaluated 2026-02-01.

Allele frequency attached by ClinVar (database versions not stated): TOPMed 0.00006; ESP Exome Variant Server 0.00008.
gnomAD v4.1: 59 of 1,612,864 alleles (0.0037%); highest among the groups gnomAD compares: Non-Finnish European, 0.0047%; no homozygotes.

Submissions (4):

CeGaT Center for Human Genetics Tuebingen
Classification: Likely benign. Last evaluated: 2026-02-01. Review status: criteria provided, single submitter. Criteria: CeGaT Center For Human Genetics Tuebingen Variant Classification Criteria Version 2. Collection method: clinical testing. Allele origin: germline. Affected: yes. Observed: 3 variant alleles.
Comment: KATNIP: BP4, BP7

Labcorp Genetics (formerly Invitae), Labcorp
Classification: Likely benign. Last evaluated: 2026-01-08. Review status: criteria provided, single submitter. Criteria: Invitae Variant Classification Sherloc (09022015). Collection method: clinical testing. Allele origin: germline.

Blueprint Genetics
Classification: Likely benign. Last evaluated: 2020-09-11. Review status: criteria provided, single submitter. Criteria: ACMG Guidelines, 2015. Collection method: clinical testing. Allele origin: germline.

Genetic Services Laboratory, University of Chicago
Classification: Likely benign. Last evaluated: 2022-08-23. Review status: no assertion criteria provided. Collection method: clinical testing. Allele origin: germline. Affected: no. Not counted in ClinVar's aggregate classification.

NM_015202.5(KATNIP):c.537G>C (p.Pro179=)

Gene: KATNIP (katanin interacting protein; plus strand). Cytogenetic location: 16p12.1.
Variant type: single nucleotide variant.
Coding change: c.537G>C on transcript NM_015202.5 (MANE Select); coding-DNA position 537, G replaced by C.
Protein change: p.Pro179=; no amino-acid change (proline 179 retained).
Molecular consequence: synonymous variant.
Genome position (GRCh38, 1-based): chr16:27,648,732, G>C. VCF-style: chr16-27648732-G-C. GRCh37 (hg19) VCF-style: chr16-27660053-G-C.
Other names: c.537G>C (NM_015202.3).
Identifiers: ClinVar variation 751508 (VCV000751508.34), dbSNP rs374427375, ClinGen allele CA7977347.
Genomic context (GRCh38, chr16:27,648,732, plus strand): 5'-TGATTTTGAGCTGTGTGGGGATGTGACTCTCCAGGCAAACAACACTTCTGAGGATCGTCC[G>C]CAGGTAGGGATGGCCTTGGCCTTGTGCTCGGGACACCTGAAGGACGGCGAGGCTCGGTGC-3'
Protein context (NP_056017.4, residues 169-189): LQANNTSEDR[Pro179=]QELRRSLELS